The following is an entry in ClinVar:

NM_000388.4(CASR):c.1497G>C (p.Glu499Asp)

Gene: CASR (calcium sensing receptor; plus strand). Cytogenetic location: 3q21.1.
Variant type: single nucleotide variant.
Coding change: c.1497G>C on transcript NM_000388.4 (MANE Select); coding-DNA position 1497, G replaced by C.
Protein change: p.Glu499Asp; replaces glutamic acid 499 with aspartic acid.
Molecular consequence: missense variant.
Genome position (GRCh38, 1-based): chr3:122,275,931, G>C. VCF-style: chr3-122275931-G-C. GRCh37 (hg19) VCF-style: chr3-121994778-G-C.
Other names: c.1497G>C, p.Glu499Asp (NM_001178065.2); short protein forms E499D.
Identifiers: ClinVar variation 1003263 (VCV001003263.13), dbSNP rs2074813113, ClinGen allele CA354155226.

ClinVar aggregate classification (germline): Uncertain significance. Review status: criteria provided, multiple submitters, no conflicts (2 of 4 stars). 2 submissions from 2 submitters: Uncertain significance (2). Last evaluated 2022-06-13.

Conditions:
Autosomal dominant hypocalcemia 1 (HYPOC1). Also called: HYPOCALCEMIA, FAMILIAL. Identifiers: MedGen C3715128, MONDO:0011013, OMIM 601198.
Familial hypocalciuric hypercalcemia (FHH). Also called: Familial benign hypercalcemia. Identifiers: Orphanet 405, MedGen C1809471, MONDO:0018458.
Nephrolithiasis/nephrocalcinosis. Identifiers: MedGen CN580796.

Allele frequency attached by ClinVar (database versions not stated): gnomAD exomes below 0.00001.
gnomAD v4.1: 1 of 1,614,096 alleles (0.000062%); highest among the groups gnomAD compares: Non-Finnish European, 0.000085%; no homozygotes.

Submissions (2):

Labcorp Genetics (formerly Invitae), Labcorp
Classification: Uncertain significance for Familial hypocalciuric hypercalcemia; Autosomal dominant hypocalcemia 1. Last evaluated: 2022-06-13. Review status: criteria provided, single submitter. Criteria: Invitae Variant Classification Sherloc (09022015). Collection method: clinical testing. Allele origin: germline.
Comment: In summary, the available evidence is currently insufficient to determine the role of this variant in disease. Therefore, it has been classified as a Variant of Uncertain Significance. Algorithms developed to predict the effect of missense changes on protein structure and function are either unavailable or do not agree on the potential impact of this missense change (SIFT: "Deleterious"; PolyPhen-2: "Benign"; Align-GVGD: "Class C35"). ClinVar contains an entry for this variant (Variation ID: 1003263). This variant has not been reported in the literature in individuals affected with CASR-related conditions. This variant is not present in population databases (gnomAD no frequency). This sequence change replaces glutamic acid, which is acidic and polar, with aspartic acid, which is acidic and polar, at codon 499 of the CASR protein (p.Glu499Asp).

Ambry Genetics
Classification: Uncertain significance for Nephrolithiasis/nephrocalcinosis. Last evaluated: 2022-02-15. Review status: criteria provided, single submitter. Criteria: Ambry Variant Classification Scheme 2023. Collection method: clinical testing. Allele origin: germline.
Comment: The p.E499D variant (also known as c.1497G>C), located in coding exon 4 of the CASR gene, results from a G to C substitution at nucleotide position 1497. The glutamic acid at codon 499 is replaced by aspartic acid, an amino acid with highly similar properties. This amino acid position is conserved. In addition, the in silico prediction for this alteration is inconclusive. Since supporting evidence is limited at this time, the clinical significance of this alteration remains unclear.